The following is an entry in ClinVar:

NM_024503.5(HIVEP3):c.5708C>T (p.Pro1903Leu)

Gene: HIVEP3 (HIVEP zinc finger 3; minus strand). Cytogenetic location: 1p34.2.
Variant type: single nucleotide variant.
Coding change: c.5708C>T on transcript NM_024503.5 (MANE Select); coding-DNA position 5708, C replaced by T.
Protein change: p.Pro1903Leu; replaces proline 1903 with leucine.
Molecular consequence: missense variant.
Genome position (GRCh38, 1-based): chr1:41,513,513, G>A on the plus strand (C>T on the coding strand, the complement: HIVEP3 is on the minus strand). VCF-style: chr1-41513513-G-A. GRCh37 (hg19) VCF-style: chr1-41979184-G-A.
Other names: c.5708C>T, p.Pro1903Leu (NM_001127714.3); short protein forms P1903L.
Identifiers: ClinVar variation 3055340 (VCV003055340.2), dbSNP rs527278441, ClinGen allele CA797386.

ClinVar aggregate classification (germline): Benign (0 of 4 stars; one submission).

Conditions:
HIVEP3-related disorder. Also called: HIVEP3-related condition.

Allele frequency attached by ClinVar (database versions not stated): TOPMed 0.00006; gnomAD 0.00047; 1000 Genomes Project 0.00459; 1000 Genomes Project 30x 0.00468.
gnomAD v4.1: 1,259 of 1,603,800 alleles (0.079%); highest among the groups gnomAD compares: South Asian, 1.3%; 21 homozygotes.

Submission:

PreventionGenetics, part of Exact Sciences
Classification: Benign for HIVEP3-related condition. Last evaluated: 2019-10-07. Review status: no assertion criteria provided. Collection method: clinical testing. Allele origin: germline.
Comment: This variant is classified as benign based on ACMG/AMP sequence variant interpretation guidelines (Richards et al. 2015 PMID: 25741868, with internal and published modifications).